The following is an entry in ClinVar:

ClinVar aggregate classification (germline): Uncertain significance (1 of 4 stars; one submission).

Submission:

GeneDx
Classification: Uncertain significance. Last evaluated: 2024-06-07. Review status: criteria provided, single submitter. Criteria: GeneDx Variant Classification Process June 2021. Collection method: clinical testing. Allele origin: germline. Affected: yes.
Comment: Not observed at significant frequency in large population cohorts (gnomAD); In silico analysis indicates that this missense variant does not alter protein structure/function; Has not been previously published as pathogenic or benign to our knowledge

NM_001326342.2(CELF2):c.106T>A (p.Leu36Met)

Gene: CELF2 (CUGBP Elav-like family member 2; plus strand). Cytogenetic location: 10p14.
Variant type: single nucleotide variant.
Coding change: c.106T>A on transcript NM_001326342.2 (MANE Select); coding-DNA position 106, T replaced by A.
Protein change: p.Leu36Met; replaces leucine 36 with methionine.
Molecular consequence: missense variant. On other transcripts: 5 prime UTR variant (4).
Genome position (GRCh38, 1-based): chr10:11,165,517, T>A. VCF-style: chr10-11165517-T-A. GRCh37 (hg19) VCF-style: chr10-11207480-T-A.
Other names: c.13T>A, p.Leu5Met (NM_001025076.2, NM_001083591.1, NM_001326317.2 and 15 more transcripts); c.85T>A, p.Leu29Met (NM_001025077.3, NM_001326331.2, NM_001326332.2 and 4 more transcripts); c.178T>A, p.Leu60Met (NM_001326325.2); c.121T>A, p.Leu41Met (NM_001326326.2, NM_001326327.2); c.-520T>A (NM_001326333.2); c.-166T>A (NM_001326338.2, NM_001326339.2); c.106T>A, p.Leu36Met (NM_001326340.2, NM_001326341.2, NM_001326343.2 and 4 more transcripts); c.-437T>A (NM_001326346.2); and 1 more; short protein forms L13M, L29M, L36M, L41M, L5M, L60M.
Identifiers: ClinVar variation 3384314 (VCV003384314.1).